The following is an entry in ClinVar:

NM_001032386.2(SUOX):c.413C>T (p.Ala138Val)

Gene: SUOX (sulfite oxidase; plus strand). Cytogenetic location: 12q13.2.
Variant type: single nucleotide variant.
Coding change: c.413C>T on transcript NM_001032386.2 (MANE Select); coding-DNA position 413, C replaced by T.
Protein change: p.Ala138Val; replaces alanine 138 with valine.
Molecular consequence: missense variant.
Genome position (GRCh38, 1-based): chr12:56,003,802, C>T. VCF-style: chr12-56003802-C-T. GRCh37 (hg19) VCF-style: chr12-56397586-C-T.
Other names: c.413C>T, p.Ala138Val (NM_000456.3, NM_001032387.2); short protein forms A138V.
Identifiers: ClinVar variation 1716064 (VCV001716064.6), dbSNP rs752262396, ClinGen allele CA385283502.

ClinVar aggregate classification (germline): Uncertain significance (1 of 4 stars; one submission).

Conditions:
Sulfite oxidase deficiency. Also called: Isolated sulfite oxidase deficiency. Identifiers: Orphanet 833, Orphanet 99731, MedGen C0268624, MONDO:0010089, OMIM 272300, HP:0003643.

gnomAD v4.1: 1 of 1,613,946 alleles (0.000062%); highest among the groups gnomAD compares: South Asian, 0.0011%; no homozygotes.

Submission:

Labcorp Genetics (formerly Invitae), Labcorp
Classification: Uncertain significance for Sulfite oxidase deficiency. Last evaluated: 2024-04-17. Review status: criteria provided, single submitter. Criteria: Invitae Variant Classification Sherloc (09022015). Collection method: clinical testing. Allele origin: germline.
Comment: This sequence change replaces alanine, which is neutral and non-polar, with valine, which is neutral and non-polar, at codon 138 of the SUOX protein (p.Ala138Val). This variant is not present in population databases (gnomAD no frequency). This variant has not been reported in the literature in individuals affected with SUOX-related conditions. ClinVar contains an entry for this variant (Variation ID: 1716064). Advanced modeling of protein sequence and biophysical properties (such as structural, functional, and spatial information, amino acid conservation, physicochemical variation, residue mobility, and thermodynamic stability) performed at Invitae indicates that this missense variant is not expected to disrupt SUOX protein function with a negative predictive value of 80%. In summary, the available evidence is currently insufficient to determine the role of this variant in disease. Therefore, it has been classified as a Variant of Uncertain Significance.